The following is an entry in ClinVar:

NM_001374828.1(ARID1B):c.3362_3363del (p.Gln1121fs)

Gene: ARID1B (AT-rich interaction domain 1B; plus strand). Cytogenetic location: 6q25.3.
Variant type: Deletion.
Coding change: c.3362_3363del on transcript NM_001374828.1 (MANE Select); coding-DNA positions 3362 to 3363, 2 bases deleted (AG; older notation c.3362_3363delAG).
Protein change: p.Gln1121fs; shifts the reading frame from glutamine 1121.
Molecular consequence: frameshift variant. On other transcripts: intron variant (3).
Genome position (GRCh38, 1-based): chr6:157,174,863-157,174,864, AG deleted. VCF-style (leftmost placement, unchanged base first): chr6-157174862-CAG-C. GRCh37 (hg19) VCF-style: chr6-157495996-CAG-C.
Other names: c.863_864del, p.Gln288fs (NM_001363725.2); c.3384+746_3384+747del (NM_001371656.1, NM_001374820.1); c.3345+746_3345+747del (NM_017519.3); c.3113_3114del (NM_001346813.1); short protein forms Q1121fs, Q288fs.
Identifiers: ClinVar variation 1310093 (VCV001310093.3), dbSNP rs2128305623, ClinGen allele CA2573052635.

ClinVar aggregate classification (germline): Conflicting classifications of pathogenicity. Review status: criteria provided, conflicting classifications (1 of 4 stars). 2 submissions from 2 submitters: Likely pathogenic (1); Uncertain significance (1). Last evaluated 2025-03-27.

Conditions:
Coffin-Siris syndrome 1 (CSS1). Also called: Mental retardation, autosomal dominant 12; ARID1B-Related Coffin-Siris Syndrome. Identifiers: Orphanet 1465, MedGen C3281201, MONDO:0007617, OMIM 135900. Disease mechanism: gain of function.

Submissions (2):

Molecular Genetics Laboratory, Motol Hospital
Classification: Likely pathogenic for Coffin-Siris syndrome 1. Last evaluated: 2025-03-27. Review status: criteria provided, single submitter. Criteria: ACMG Guidelines, 2015. Collection method: clinical testing. Allele origin: de novo. Affected: yes. Observed: 1 variant allele.
Comment: Rare variant present in ClinVar (Variation ID: 1310093) (classified as VUS due to the lack of information for conclusive diagnosis), not present in gnomAD (4.1.0), not in non-Finnish European population. ACMG PVS1, PS2, PM2. Rare de novo variants in the ARID1B gene (MIM:614556) are a well-known cause of Coffin-Siris syndrome 1 (MIM:135900) (PMID:22405089;PMID:22426309;PMID:30349098). Therefore, this variant is classified as likely pathogenic.

GeneDx
Classification: Uncertain significance. Last evaluated: 2019-12-05. Review status: criteria provided, single submitter. Criteria: GeneDx Variant Classification Process June 2021. Collection method: clinical testing. Allele origin: germline. Affected: yes.
Comment: Not observed in large population cohorts (Lek et al., 2016); Frameshift variant predicted to result in protein truncation or nonsense mediated decay in an alternate transcript not previously reported with disease; Has not been previously published as pathogenic or benign to our knowledge

Literature cited by the submitters: PubMed 22405089 (cited by Molecular Genetics Laboratory, Motol Hospital); PubMed 22426309 (cited by Molecular Genetics Laboratory, Motol Hospital); PubMed 30349098 (cited by Molecular Genetics Laboratory, Motol Hospital).